The following is an entry in ClinVar:

NM_001099922.3(ALG13):c.2411A>G (p.Tyr804Cys)

Gene: ALG13 (ALG13 UDP-N-acetylglucosaminyltransferase subunit; plus strand). Cytogenetic location: Xq23.
Variant type: single nucleotide variant.
Coding change: c.2411A>G on transcript NM_001099922.3 (MANE Select); coding-DNA position 2411, A replaced by G.
Protein change: p.Tyr804Cys; replaces tyrosine 804 with cysteine.
Molecular consequence: missense variant. On other transcripts: non-coding transcript variant (1).
Genome position (GRCh38, 1-based): chrX:111,730,534, A>G. VCF-style: chrX-111730534-A-G. GRCh37 (hg19) VCF-style: chrX-110973762-A-G.
Other names: c.2099A>G, p.Tyr700Cys (NM_001257230.2, NM_001257234.2, NM_001257237.2); c.2177A>G, p.Tyr726Cys (NM_001257231.2); c.2411A>G, p.Tyr804Cys (NM_001324292.2); c.1925A>G, p.Tyr642Cys (NM_001324293.1); short protein forms Y642C, Y726C, Y700C, Y804C.
Identifiers: ClinVar variation 2811057 (VCV002811057.3), dbSNP rs1488554624, ClinGen allele CA414254006.

ClinVar aggregate classification (germline): Uncertain significance (1 of 4 stars; one submission).

Conditions:
Developmental and epileptic encephalopathy, 36 (DEE36). Also called: Epileptic encephalopathy, early infantile, 36; ALG13-CDG; Congenital disorder of glycosylation, type Is. Identifiers: Orphanet 324422, MedGen C4317295, MONDO:0010472, OMIM 300884.

Allele frequency attached by ClinVar (database versions not stated): gnomAD exomes below 0.00001.
gnomAD v4.1: 1 of 1,194,077 alleles (0.000084%); highest among the groups gnomAD compares: African/African-American, 0.0017%; no homozygotes.

Submission:

Labcorp Genetics (formerly Invitae), Labcorp
Classification: Uncertain significance for Developmental and epileptic encephalopathy, 36. Last evaluated: 2023-10-05. Review status: criteria provided, single submitter. Criteria: Invitae Variant Classification Sherloc (09022015). Collection method: clinical testing. Allele origin: germline.
Comment: This sequence change replaces tyrosine, which is neutral and polar, with cysteine, which is neutral and slightly polar, at codon 804 of the ALG13 protein (p.Tyr804Cys). This variant is not present in population databases (gnomAD no frequency). This variant has not been reported in the literature in individuals affected with ALG13-related conditions. Advanced modeling of protein sequence and biophysical properties (such as structural, functional, and spatial information, amino acid conservation, physicochemical variation, residue mobility, and thermodynamic stability) performed at Invitae indicates that this missense variant is not expected to disrupt ALG13 protein function. In summary, the available evidence is currently insufficient to determine the role of this variant in disease. Therefore, it has been classified as a Variant of Uncertain Significance.